The following is an entry in ClinVar:

NM_000532.5(PCCB):c.373-18T>C

Gene: PCCB (propionyl-CoA carboxylase subunit beta; plus strand). Cytogenetic location: 3q22.3.
Variant type: single nucleotide variant.
Coding change: c.373-18T>C on transcript NM_000532.5 (MANE Select); 18 bases into the intron before coding-DNA position 373, T replaced by C.
Molecular consequence: intron variant.
Genome position (GRCh38, 1-based): chr3:136,260,461, T>C. VCF-style: chr3-136260461-T-C. GRCh37 (hg19) VCF-style: chr3-135979303-T-C.
Other names: c.433-18T>C (NM_001178014.2).
Identifiers: ClinVar variation 513587 (VCV000513587.9), dbSNP rs775972133, ClinGen allele CA2631734.

ClinVar aggregate classification (germline): Likely benign. Review status: criteria provided, multiple submitters, no conflicts (2 of 4 stars). 3 submissions from 3 submitters: Likely benign (3). Last evaluated 2026-01-29.

Conditions:
Propionic acidemia (PROP). Also called: GLYCINEMIA, KETOTIC; HYPERGLYCINEMIA WITH KETOACIDOSIS AND LEUKOPENIA; KETOTIC HYPERGLYCINEMIA. Identifiers: Orphanet 35, MedGen C0268579, MONDO:0011628, OMIM 606054, HP:0003571.

Allele frequency attached by ClinVar (database versions not stated): ExAC 0.00004; gnomAD exomes 0.00006; TOPMed 0.00007; gnomAD 0.00009.
gnomAD v4.1: 110 of 1,605,740 alleles (0.0069%); highest among the groups gnomAD compares: Non-Finnish European, 0.0085%; no homozygotes.

Submissions (3):

Labcorp Genetics (formerly Invitae), Labcorp
Classification: Likely benign for Propionic acidemia. Last evaluated: 2026-01-29. Review status: criteria provided, single submitter. Criteria: Invitae Variant Classification Sherloc (09022015). Collection method: clinical testing. Allele origin: germline.

Blueprint Genetics
Classification: Likely benign. Last evaluated: 2024-01-17. Review status: criteria provided, single submitter. Criteria: ACMG Guidelines, 2015. Collection method: clinical testing. Allele origin: germline.

GeneDx
Classification: Likely benign. Last evaluated: 2017-12-13. Review status: criteria provided, single submitter. Criteria: GeneDx Variant Classification (06012015). Collection method: clinical testing. Allele origin: germline. Affected: yes.
Comment: This variant is considered likely benign or benign based on one or more of the following criteria: it is a conservative change, it occurs at a poorly conserved position in the protein, it is predicted to be benign by multiple in silico algorithms, and/or has population frequency not consistent with disease.